The following is an entry in ClinVar:

ClinVar aggregate classification (germline): Uncertain significance. Review status: criteria provided, multiple submitters, no conflicts (2 of 4 stars). 2 submissions from 2 submitters: Uncertain significance (2). Last evaluated 2024-12-07.

Conditions:
Inborn genetic diseases. Identifiers: MedGen C0950123, MeSH D030342.
CHARGE syndrome (CHARGE). Also called: Hittner Hirsch Kreh syndrome; CHARGE ASSOCIATION--COLOBOMA, HEART ANOMALY, CHOANAL ATRESIA, RETARDATION, GENITAL AND EAR ANOMALIES; Coloboma, heart anomaly, choanal atresia, retardation, genital and ear anomalies; CHARGE association; Hall-Hittner syndrome. Identifiers: Orphanet 138, MedGen C0265354, MONDO:0008965.

gnomAD v4.1: 4 of 1,614,034 alleles (0.00025%); highest among the groups gnomAD compares: Non-Finnish European, 0.00034%; no homozygotes.

Submissions (2):

Labcorp Genetics (formerly Invitae), Labcorp
Classification: Uncertain significance for CHARGE syndrome. Last evaluated: 2024-12-07. Review status: criteria provided, single submitter. Criteria: Invitae Variant Classification Sherloc (09022015). Collection method: clinical testing. Allele origin: germline.
Comment: This sequence change replaces threonine, which is neutral and polar, with lysine, which is basic and polar, at codon 2452 of the CHD7 protein (p.Thr2452Lys). This variant is not present in population databases (gnomAD no frequency). This variant has not been reported in the literature in individuals affected with CHD7-related conditions. Invitae Evidence Modeling of protein sequence and biophysical properties (such as structural, functional, and spatial information, amino acid conservation, physicochemical variation, residue mobility, and thermodynamic stability) indicates that this missense variant is not expected to disrupt CHD7 protein function with a negative predictive value of 95%. In summary, the available evidence is currently insufficient to determine the role of this variant in disease. Therefore, it has been classified as a Variant of Uncertain Significance.

Ambry Genetics
Classification: Uncertain significance for Inborn genetic diseases. Last evaluated: 2024-10-17. Review status: criteria provided, single submitter. Criteria: Ambry Variant Classification Scheme 2023. Collection method: clinical testing. Allele origin: germline.

NM_017780.4(CHD7):c.7355C>A (p.Thr2452Lys)

Gene: CHD7 (chromodomain helicase DNA binding protein 7; plus strand). Cytogenetic location: 8q12.2.
Variant type: single nucleotide variant.
Coding change: c.7355C>A on transcript NM_017780.4 (MANE Select); coding-DNA position 7355, C replaced by A.
Protein change: p.Thr2452Lys; replaces threonine 2452 with lysine.
Molecular consequence: missense variant. On other transcripts: intron variant (1).
Genome position (GRCh38, 1-based): chr8:60,856,635, C>A. VCF-style: chr8-60856635-C-A. GRCh37 (hg19) VCF-style: chr8-61769194-C-A.
Other names: c.1717-5594C>A (NM_001316690.1); short protein forms T2452K.
Identifiers: ClinVar variation 3492058 (VCV003492058.3).